The following is an entry in ClinVar:

NM_000276.4(OCRL):c.1580T>A (p.Val527Asp)

Gene: OCRL (OCRL inositol polyphosphate-5-phosphatase; plus strand). Cytogenetic location: Xq26.1.
Variant type: single nucleotide variant.
Coding change: c.1580T>A on transcript NM_000276.4 (MANE Select); coding-DNA position 1580, T replaced by A.
Protein change: p.Val527Asp; replaces valine 527 with aspartic acid.
Molecular consequence: missense variant.
Genome position (GRCh38, 1-based): chrX:129,569,377, T>A. VCF-style: chrX-129569377-T-A. GRCh37 (hg19) VCF-style: chrX-128703354-T-A.
Other names: c.1583T>A, p.Val528Asp (NM_001318784.2); c.1580T>A, p.Val527Asp (NM_001587.4); short protein forms V527D, V528D.
Identifiers: ClinVar variation 1723236 (VCV001723236.1), dbSNP rs2521906486, ClinGen allele CA414616544.

ClinVar aggregate classification (germline): Likely pathogenic (1 of 4 stars; one submission).

Conditions:
Dent disease. Also called: Dent's disease. Identifiers: Orphanet 1652, MedGen C0878681, MONDO:0015612.

Submission:

Women's Health and Genetics/Laboratory Corporation of America, LabCorp
Classification: Likely pathogenic for Dent disease. Last evaluated: 2022-10-05. Review status: criteria provided, single submitter. Criteria: LabCorp Variant Classification Summary - May 2015. Collection method: clinical testing. Allele origin: germline.
Comment: Variant summary: OCRL c.1580T>A (p.Val527Asp) results in a non-conservative amino acid change located in the Inositol polyphosphate-related phosphatase domain (IPR000300) of the encoded protein sequence. Five in-silico tools predict a damaging effect of the variant on protein function. The variant was absent in 183465 control chromosomes. c.1580T>A has been reported in the literature in an individual clinically diagnosed with Lowe syndrome (Addis_2004). Experimental studies suggest that the variant results in a catalytically inactive OCRL protein, which couldn't prevent the accumulation of lysosomal phosphatidylinositol 4,5-bisphosphate, and consequently was not able to sustain the autophagic flux (Vicinanza_2011, De Leo_2016). No clinical diagnostic laboratories have submitted clinical-significance assessments for this variant to ClinVar after 2014. Based on the evidence outlined above, the variant was classified as likely pathogenic.

Literature cited by the submitters: PubMed 15108291; PubMed 27398910; PubMed 29300302; PubMed 21971085.